The following is an entry in ClinVar:

ClinVar aggregate classification (germline): Uncertain significance (1 of 4 stars; one submission).

Submission:

Labcorp Genetics (formerly Invitae), Labcorp
Classification: Uncertain significance. Last evaluated: 2023-08-05. Review status: criteria provided, single submitter. Criteria: Invitae Variant Classification Sherloc (09022015). Collection method: clinical testing. Allele origin: germline.
Comment: In summary, the available evidence is currently insufficient to determine the role of this variant in disease. Therefore, it has been classified as a Variant of Uncertain Significance. An algorithm developed to predict the effect of missense changes on protein structure and function (PolyPhen-2) suggests that this variant is likely to be tolerated. This variant has not been reported in the literature in individuals affected with ACTN4-related conditions. This variant is not present in population databases (gnomAD no frequency). This sequence change replaces histidine, which is basic and polar, with glutamine, which is neutral and polar, at codon 776 of the ACTN4 protein (p.His776Gln).

NM_004924.6(ACTN4):c.2328C>G (p.His776Gln)

Gene: ACTN4 (actinin alpha 4; plus strand). Cytogenetic location: 19q13.2.
Variant type: single nucleotide variant.
Coding change: c.2328C>G on transcript NM_004924.6 (MANE Select); coding-DNA position 2328, C replaced by G.
Protein change: p.His776Gln; replaces histidine 776 with glutamine.
Molecular consequence: missense variant.
Genome position (GRCh38, 1-based): chr19:38,727,094, C>G. VCF-style: chr19-38727094-C-G. GRCh37 (hg19) VCF-style: chr19-39217734-C-G.
Other names: c.2328C>G, p.His776Gln (NM_001322033.2, NM_001411143.1); short protein forms H776Q.
Identifiers: ClinVar variation 2745676 (VCV002745676.3), dbSNP rs1969260127, ClinGen allele CA405703970.